The following is an entry in ClinVar:

ClinVar aggregate classification (germline): Likely benign (1 of 4 stars; one submission).

Submission:

CeGaT Center for Human Genetics Tuebingen
Classification: Likely benign. Last evaluated: 2025-02-01. Review status: criteria provided, single submitter. Criteria: CeGaT Center For Human Genetics Tuebingen Variant Classification Criteria Version 2. Collection method: clinical testing. Allele origin: germline. Affected: yes. Observed: 1 variant allele.
Comment: MUC19: BP4, BP7

NC_000012.12:g.40484235G>A

Gene: MUC19 (mucin 19, oligomeric (gene/pseudogene); plus strand). Cytogenetic location: 12q12.
Variant type: single nucleotide variant.
Genome position: GRCh38 VCF-style: chr12-40484235-G-A. GRCh37 (hg19) VCF-style: chr12-40878037-G-A.
Identifiers: ClinVar variation 3770899 (VCV003770899.13).